The following is an entry in ClinVar:

ClinVar aggregate classification (germline): Uncertain significance (1 of 4 stars; one submission).

Submission:

GeneDx
Classification: Uncertain significance. Last evaluated: 2024-12-08. Review status: criteria provided, single submitter. Criteria: GeneDx Variant Classification Process June 2021. Collection method: clinical testing. Allele origin: germline. Affected: yes.
Comment: Not observed at significant frequency in large population cohorts (gnomAD); In silico analysis supports that this missense variant has a deleterious effect on protein structure/function; Has not been previously published as pathogenic or benign to our knowledge

NM_002474.3(MYH11):c.1532T>A (p.Phe511Tyr)

Gene: MYH11 (myosin heavy chain 11; minus strand). Cytogenetic location: 16p13.11.
Variant type: single nucleotide variant.
Coding change: c.1532T>A on transcript NM_002474.3 (MANE Select); coding-DNA position 1532, T replaced by A.
Protein change: p.Phe511Tyr; replaces phenylalanine 511 with tyrosine.
Molecular consequence: missense variant.
Genome position (GRCh38, 1-based): chr16:15,757,870, A>T on the plus strand (T>A on the coding strand, the complement: MYH11 is on the minus strand). VCF-style: chr16-15757870-A-T. GRCh37 (hg19) VCF-style: chr16-15851727-A-T.
Other names: c.1553T>A, p.Phe518Tyr (NM_001040113.2, NM_001040114.2); c.1532T>A, p.Phe511Tyr (NM_022844.3); short protein forms F511Y, F518Y.
Identifiers: ClinVar variation 3903408 (VCV003903408.1).
Genomic context (GRCh38, chr16:15,757,870, plus strand): 5'-GCCCACGTGCCCCTCACCGGTCGCTCGATGAGCTCGATGCAGGGCTGTAGGTCCAGCCCA[A>T]AGTCGATGAAGTTCCACTCGATGCCCTCGCGCTGGTACTCCTCCTGCTCCAGGATGAACA-3'
Protein context (NP_002465.1, residues 501-521): REGIEWNFID[Phe511Tyr]GLDLQPCIEL